The following is an entry in ClinVar:

ClinVar aggregate classification (germline): Uncertain significance. Review status: criteria provided, multiple submitters, no conflicts (2 of 4 stars). 5 submissions from 5 submitters: Uncertain significance (5). Last evaluated 2025-09-24.

Conditions:
Hereditary cancer-predisposing syndrome. Also called: Neoplastic Syndromes, Hereditary; Tumor predisposition; Hereditary Cancer Syndrome; Hereditary neoplastic syndrome. Identifiers: Orphanet 140162, MedGen C0027672, MeSH D009386, MONDO:0015356.
Neuroblastoma, susceptibility to, 3. Also called: ALK-Related Neuroblastic Tumor Susceptibility. Identifiers: Orphanet 635, MedGen C2751681, MONDO:0013083, OMIM 613014.

Allele frequency attached by ClinVar (database versions not stated): gnomAD exomes below 0.00001; TOPMed below 0.00001; gnomAD 0.00001.
gnomAD v4.1: 8 of 1,614,158 alleles (0.0005%); highest among the groups gnomAD compares: South Asian, 0.0011%; no homozygotes.

Submissions (5):

Labcorp Genetics (formerly Invitae), Labcorp
Classification: Uncertain significance for Neuroblastoma, susceptibility to, 3. Last evaluated: 2025-09-24. Review status: criteria provided, single submitter. Criteria: Invitae Variant Classification Sherloc (09022015). Collection method: clinical testing. Allele origin: germline.
Comment: This sequence change replaces arginine, which is basic and polar, with isoleucine, which is neutral and non-polar, at codon 860 of the ALK protein (p.Arg860Ile). This variant is present in population databases (no rsID available, gnomAD 0.0009%). This variant has not been reported in the literature in individuals affected with ALK-related conditions. ClinVar contains an entry for this variant (Variation ID: 895175). An algorithm developed to predict the effect of missense changes on protein structure and function (PolyPhen-2) suggests that this variant is likely to be disruptive. In summary, the available evidence is currently insufficient to determine the role of this variant in disease. Therefore, it has been classified as a Variant of Uncertain Significance.

Ambry Genetics
Classification: Uncertain significance for Hereditary cancer-predisposing syndrome. Last evaluated: 2025-01-05. Review status: criteria provided, single submitter. Criteria: Ambry Variant Classification Scheme 2023. Collection method: clinical testing. Allele origin: germline.
Comment: The p.R860I variant (also known as c.2579G>T), located in coding exon 15 of the ALK gene, results from a G to T substitution at nucleotide position 2579. The arginine at codon 860 is replaced by isoleucine, an amino acid with similar properties. This amino acid position is conserved. In addition, the in silico prediction for this alteration is inconclusive. Based on the available evidence, the clinical significance of this variant remains unclear.

Baylor Genetics
Classification: Uncertain significance for Neuroblastoma, susceptibility to, 3. Last evaluated: 2024-02-25. Review status: criteria provided, single submitter. Criteria: ACMG Guidelines, 2015. Collection method: clinical testing. Allele origin: unknown. Study: CSER-TexasKidsCanSeq.

GeneDx
Classification: Uncertain significance. Last evaluated: 2023-10-25. Review status: criteria provided, single submitter. Criteria: GeneDx Variant Classification Process June 2021. Collection method: clinical testing. Allele origin: germline. Affected: yes.
Comment: Not observed at significant frequency in large population cohorts (gnomAD); In silico analysis supports that this missense variant has a deleterious effect on protein structure/function; Has not been previously published as pathogenic or benign to our knowledge

Illumina Laboratory Services, Illumina
Classification: Uncertain significance for Neuroblastoma, susceptibility to, 3. Last evaluated: 2018-01-12. Review status: criteria provided, single submitter. Criteria: ICSL Variant Classification Criteria 13 December 2019. Collection method: clinical testing. Allele origin: germline.

NM_004304.5(ALK):c.2579G>T (p.Arg860Ile)

Gene: ALK (ALK receptor tyrosine kinase; minus strand). Cytogenetic location: 2p23.2.
Variant type: single nucleotide variant.
Coding change: c.2579G>T on transcript NM_004304.5 (MANE Select); coding-DNA position 2579, G replaced by T.
Protein change: p.Arg860Ile; replaces arginine 860 with isoleucine.
Molecular consequence: missense variant.
Genome position (GRCh38, 1-based): chr2:29,232,357, C>A on the plus strand (G>T on the coding strand, the complement: ALK is on the minus strand). VCF-style: chr2-29232357-C-A. GRCh37 (hg19) VCF-style: chr2-29455223-C-A.
Other names: short protein forms R860I.
Identifiers: ClinVar variation 895175 (VCV000895175.15), dbSNP rs1194282326, ClinGen allele CA346471742.